The following is an entry in ClinVar:

ClinVar aggregate classification (germline): Uncertain significance (1 of 4 stars; one submission).

Submission:

Labcorp Genetics (formerly Invitae), Labcorp
Classification: Uncertain significance. Last evaluated: 2025-10-13. Review status: criteria provided, single submitter. Criteria: Invitae Variant Classification Sherloc (09022015). Collection method: clinical testing. Allele origin: germline.
Comment: This sequence change replaces leucine, which is neutral and non-polar, with glutamine, which is neutral and polar, at codon 1242 of the ANKRD26 protein (p.Leu1242Gln). This variant is not present in population databases (gnomAD no frequency). This variant has not been reported in the literature in individuals affected with ANKRD26-related conditions. ClinVar contains an entry for this variant (Variation ID: 1998359). An algorithm developed to predict the effect of missense changes on protein structure and function (PolyPhen-2) suggests that this variant is likely to be disruptive. In summary, the available evidence is currently insufficient to determine the role of this variant in disease. Therefore, it has been classified as a Variant of Uncertain Significance.

NM_014915.3(ANKRD26):c.3725T>A (p.Leu1242Gln)

Gene: ANKRD26 (ankyrin repeat domain 26; minus strand). Cytogenetic location: 10p12.1.
Variant type: single nucleotide variant.
Coding change: c.3725T>A on transcript NM_014915.3 (MANE Select); coding-DNA position 3725, T replaced by A.
Protein change: p.Leu1242Gln; replaces leucine 1242 with glutamine.
Molecular consequence: missense variant.
Genome position (GRCh38, 1-based): chr10:27,033,307, A>T on the plus strand (T>A on the coding strand, the complement: ANKRD26 is on the minus strand). VCF-style: chr10-27033307-A-T. GRCh37 (hg19) VCF-style: chr10-27322236-A-T.
Other names: c.3722T>A, p.Leu1241Gln (NM_001256053.2); short protein forms L1242Q, L1241Q.
Identifiers: ClinVar variation 1998359 (VCV001998359.4), dbSNP rs2538740723, ClinGen allele CA376361066.